The following is an entry in ClinVar:

ClinVar aggregate classification (germline): Uncertain significance (1 of 4 stars; one submission).

Allele frequency attached by ClinVar (database versions not stated): gnomAD 0.00001; gnomAD exomes 0.00002.
gnomAD v4.1: 12 of 1,613,146 alleles (0.00074%); highest among the groups gnomAD compares: East Asian, 0.027%; no homozygotes.

Submission:

Ambry Genetics
Classification: Uncertain significance. Last evaluated: 2023-09-13. Review status: criteria provided, single submitter. Criteria: Ambry Variant Classification Scheme 2023. Collection method: clinical testing. Allele origin: germline.
Comment: The p.P888S variant (also known as c.2662C>T), located in coding exon 4 of the ALPK2 gene, results from a C to T substitution at nucleotide position 2662. The proline at codon 888 is replaced by serine, an amino acid with similar properties. This amino acid position is conserved. In addition, this alteration is predicted to be tolerated by in silico analysis. Since supporting evidence is limited at this time, the clinical significance of this alteration remains unclear.

NM_052947.4(ALPK2):c.2662C>T (p.Pro888Ser)

Gene: ALPK2 (alpha kinase 2; minus strand). Cytogenetic location: 18q21.31.
Variant type: single nucleotide variant.
Coding change: c.2662C>T on transcript NM_052947.4 (MANE Select); coding-DNA position 2662, C replaced by T.
Protein change: p.Pro888Ser; replaces proline 888 with serine.
Molecular consequence: missense variant.
Genome position (GRCh38, 1-based): chr18:58,537,525, G>A on the plus strand (C>T on the coding strand, the complement: ALPK2 is on the minus strand). VCF-style: chr18-58537525-G-A. GRCh37 (hg19) VCF-style: chr18-56204757-G-A.
Other names: short protein forms P888S.
Identifiers: ClinVar variation 1794462 (VCV001794462.3), dbSNP rs907615993, ClinGen allele CA300927528.